The following is an entry in ClinVar:

ClinVar aggregate classification (germline): Pathogenic/Likely pathogenic. Review status: criteria provided, multiple submitters, no conflicts (2 of 4 stars). 2 submissions from 2 submitters: Pathogenic (1); Likely pathogenic (1). Last evaluated 2026-04-14.

Conditions:
Progressive familial intrahepatic cholestasis type 3. Also called: Low Gamma-GT Familial Intrahepatic Cholestasis; MDR3 DEFICIENCY. Identifiers: Orphanet 79305, MedGen C1865643, MONDO:0011214, OMIM 602347.
Familial intrahepatic cholestasis. Identifiers: Orphanet 284385, MedGen CN296401, MONDO:0017290.

Submissions (2):

Genomenon, Inc
Classification: Pathogenic for Familial intrahepatic cholestasis. Last evaluated: 2026-04-14. Review status: criteria provided, single submitter. Criteria: Genomenon Sequence Variant Interpretation Standards - Updated. Collection method: curation. Allele origin: germline. Affected: yes.
Comment: ABCB4 p.Gln636Ter (c.1906C>T) is a nonsense variant that introduces a premature stop codon at amino acid position 636, creating a truncated protein that is predicted to undergo nonsense-mediated mRNA decay. This variant has been observed in at least one proband with an ABCB4-related disorder (PMID:37697751;11313315). The variant was found to segregate with disease in at least one affected family (PMID:11313315). It is absent or not present at a significant frequency in gnomAD. In conclusion, we classify ABCB4 p.Gln636Ter (c.1906C>T) as a pathogenic variant.

Rolfs Rare Disease Consulting, Rolfs Consulting Und Verwaltungs GmbH
Classification: Likely pathogenic for Progressive familial intrahepatic cholestasis type 3. Last evaluated: 2019-01-01. Review status: criteria provided, single submitter. Criteria: ACMG Guidelines, 2015. Collection method: clinical testing. Allele origin: germline. Affected: yes.

Literature cited by the submitters: PubMed 37697751 (cited by Genomenon, Inc); PubMed 11313315 (cited by Genomenon, Inc).

NM_000443.4(ABCB4):c.1906C>T (p.Gln636Ter)

Gene: ABCB4 (ATP binding cassette subfamily B member 4; minus strand). Cytogenetic location: 7q21.12.
Variant type: single nucleotide variant.
Coding change: c.1906C>T on transcript NM_000443.4 (MANE Select); coding-DNA position 1906, C replaced by T.
Protein change: p.Gln636Ter; replaces glutamine 636 with a stop codon.
Molecular consequence: nonsense.
Genome position (GRCh38, 1-based): chr7:87,426,908, G>A on the plus strand (C>T on the coding strand, the complement: ABCB4 is on the minus strand). VCF-style: chr7-87426908-G-A. GRCh37 (hg19) VCF-style: chr7-87056224-G-A.
Other names: c.1906C>T, p.Gln636Ter (NM_018849.3, NM_018850.3); short protein forms Q636*.
Identifiers: ClinVar variation 2687836 (VCV002687836.2), dbSNP rs72552775, ClinGen allele CA162084892.